The following is an entry in ClinVar:

ClinVar aggregate classification (germline): Likely pathogenic (1 of 4 stars; one submission).

Conditions:
Intellectual developmental disorder, autosomal dominant 44, with microcephaly. Also called: TRIO-Related Intellectual Disability; Micrognathia-recurrent infections-behavioral abnormalities-mild intellectual disability syndrome. Identifiers: Orphanet 476126, MedGen C4310740, MONDO:0014892, OMIM 617061.

Submission:

Laboratorio de Citogenómica y Microarreglos, Universidad Autonoma de Nuevo Leon
Classification: Likely pathogenic for Intellectual developmental disorder, autosomal dominant 44, with microcephaly. Last evaluated: 2022-03-22. Review status: criteria provided, single submitter. Criteria: ACMG/ClinGen CNV Guidelines, 2019. Collection method: research. Allele origin: de novo. Inheritance: Autosomal dominant inheritance. Affected: yes. Observed: 1 heterozygote.
Comment: Although it does not affect DH1, this intragenic deletion included DH2 and could have resulted in aberrant shortened mRNAs and proteins, which, in turn, undergo rapid decay and consequently hypoactivation of RHOA. Because truncating variants (including those in DH2) resulting in a shortened protein and haploinsufficiency have an effect like those affecting GEF1D, the present disruption of TRIO most likely caused the patient’s MRD44-like phenotype, including mild ID, microcephaly, and facial features (Pengelly 2016, Ba 2016, Schultz-Rogers, 2020).

Literature cited by the submitters: DOI 10.1016/j.ejmg.2022.104579.

Single allele

Gene: TRIO (trio Rho guanine nucleotide exchange factor; plus strand). Cytogenetic location: 5p15.2.
Variant type: Deletion.
Identifiers: ClinVar variation 1345030 (VCV001345030.3).